The following is an entry in ClinVar:

NM_001354768.3(NRL):c.127C>T (p.Pro43Ser)

Gene: NRL (neural retina leucine zipper; minus strand). Cytogenetic location: 14q11.2.
Variant type: single nucleotide variant.
Coding change: c.127C>T on transcript NM_001354768.3 (MANE Select); coding-DNA position 127, C replaced by T.
Protein change: p.Pro43Ser; replaces proline 43 with serine.
Molecular consequence: missense variant. On other transcripts: intron variant (1).
Genome position (GRCh38, 1-based): chr14:24,082,722, G>A on the plus strand (C>T on the coding strand, the complement: NRL is on the minus strand). VCF-style: chr14-24082722-G-A. GRCh37 (hg19) VCF-style: chr14-24551931-G-A.
Other names: c.127C>T, p.Pro43Ser (NM_001354769.1, NM_006177.5); c.66+61C>T (NM_001354770.2); short protein forms P43S.
Identifiers: ClinVar variation 2010079 (VCV002010079.5), dbSNP rs754374196, ClinGen allele CA7122919.
Genomic context (GRCh38, chr14:24,082,722, plus strand): 5'-CGGTTGCCCCCACCATGCCTGGTTCACTGAAGGTGGGTGAAGGAGGCACTGAGCTGTAAG[G>A]TGTGGAGCCCAGTGAGGCTGTAGGGGGGCCAGGTCGGCCCTCAGAGGGTTCCCGCTTTAC-3'
Protein context (NP_001341697.1, residues 33-53): GPPTASLGST[Pro43Ser]YSSVPPSPTF

ClinVar aggregate classification (germline): Uncertain significance. Review status: criteria provided, multiple submitters, no conflicts (2 of 4 stars). 2 submissions from 2 submitters: Uncertain significance (2). Last evaluated 2022-11-11.

Allele frequency attached by ClinVar (database versions not stated): ExAC 0.00001; gnomAD 0.00001.
gnomAD v4.1: 1 of 1,614,102 alleles (0.000062%); highest among the groups gnomAD compares: Non-Finnish European, 0.000085%; no homozygotes.

Submissions (2):

Blueprint Genetics
Classification: Uncertain significance. Last evaluated: 2022-11-11. Review status: criteria provided, single submitter. Criteria: ACMG Guidelines, 2015. Collection method: clinical testing. Allele origin: germline.

Labcorp Genetics (formerly Invitae), Labcorp
Classification: Uncertain significance. Last evaluated: 2022-10-24. Review status: criteria provided, single submitter. Criteria: Invitae Variant Classification Sherloc (09022015). Collection method: clinical testing. Allele origin: germline.
Comment: Algorithms developed to predict the effect of missense changes on protein structure and function (SIFT, PolyPhen-2, Align-GVGD) all suggest that this variant is likely to be disruptive. In summary, the available evidence is currently insufficient to determine the role of this variant in disease. Therefore, it has been classified as a Variant of Uncertain Significance. Algorithms developed to predict the effect of sequence changes on RNA splicing suggest that this variant may create or strengthen a splice site. This missense change has been observed in individual(s) with clinical features of autosomal dominant retinitis pigmentosa (Invitae). This variant is present in population databases (rs754374196, gnomAD 0.0009%). This sequence change replaces proline, which is neutral and non-polar, with serine, which is neutral and polar, at codon 43 of the NRL protein (p.Pro43Ser).